The following is an entry in ClinVar:

ClinVar aggregate classification (germline): Pathogenic/Likely pathogenic. Review status: criteria provided, multiple submitters, no conflicts (2 of 4 stars). 4 submissions from 4 submitters: Pathogenic (3); Likely pathogenic (1). Last evaluated 2025-11-27.

Conditions:
Biotinidase deficiency. Also called: Biotin deficiency; BTD deficiency; Late-onset biotin-responsive multiple carboxylase deficiency. Identifiers: Orphanet 79241, MedGen C0220754, MONDO:0009665, OMIM 253260.

Submissions (4):

Genetics and Genomic Medicine Centre, NeuroGen Healthcare, NeuroGen Healthcare
Classification: Pathogenic for Biotinidase deficiency. Last evaluated: 2025-11-27. Review status: criteria provided, single submitter. Criteria: ACMG Guidelines, 2015. Collection method: clinical testing. Allele origin: unknown. Affected: yes.

Labcorp Genetics (formerly Invitae), Labcorp
Classification: Pathogenic for Biotinidase deficiency. Last evaluated: 2024-08-19. Review status: criteria provided, single submitter. Criteria: Invitae Variant Classification Sherloc (09022015). Collection method: clinical testing. Allele origin: germline.
Comment: This sequence change creates a premature translational stop signal (p.Gly34Valfs*35) in the BTD gene. It is expected to result in an absent or disrupted protein product. Loss-of-function variants in BTD are known to be pathogenic (PMID: 20083419). This variant is not present in population databases (gnomAD no frequency). This premature translational stop signal has been observed in individual(s) with biotinidase deficiency (PMID: 7550325, 27657684, 27845546, 28220409; Invitae). ClinVar contains an entry for this variant (Variation ID: 631911). For these reasons, this variant has been classified as Pathogenic.

CeGaT Center for Human Genetics Tuebingen
Classification: Pathogenic. Last evaluated: 2018-12-01. Review status: criteria provided, single submitter. Criteria: CeGaT Center For Human Genetics Tuebingen Variant Classification Criteria Version 2. Collection method: clinical testing. Allele origin: germline. Affected: yes. Observed: 1 variant allele.

Arcensus
Classification: Likely pathogenic for Biotinidase deficiency. Last evaluated: 2013-02-01. Review status: criteria provided, single submitter. Criteria: ACMG Guidelines, 2015. Collection method: clinical testing. Allele origin: germline. Affected: yes.

Literature cited by the submitters: PubMed 20083419 (cited by Labcorp Genetics (formerly Invitae), Labcorp); PubMed 7550325 (cited by Labcorp Genetics (formerly Invitae), Labcorp); PubMed 27657684 (cited by Labcorp Genetics (formerly Invitae), Labcorp); PubMed 27845546 (cited by Labcorp Genetics (formerly Invitae), Labcorp); PubMed 28220409 (cited by Labcorp Genetics (formerly Invitae), Labcorp).

NM_001370658.1(BTD):c.41_44del (p.Gly14fs)

Gene: BTD (biotinidase; plus strand). Cytogenetic location: 3p25.1.
Variant type: Deletion.
Coding change: c.41_44del on transcript NM_001370658.1 (MANE Select); coding-DNA positions 41 to 44, 4 bases deleted (GCTG; older notation c.41_44delGCTG).
Protein change: p.Gly14fs; shifts the reading frame from glycine 14.
Molecular consequence: frameshift variant.
Genome position (GRCh38, 1-based): chr3:15,635,480-15,635,483, GCTG deleted; deleting any 4 consecutive bases within chr3:15,635,479-15,635,483 gives the same sequence; the c. name uses the placement nearest the transcript's 3' end. VCF-style (leftmost placement, unchanged base first): chr3-15635478-CGGCT-C. GRCh37 (hg19) VCF-style: chr3-15676985-CGGCT-C.
Other names: c.41_44del, p.Gly14fs (NM_001407376.1, NM_001407377.1, NM_001407378.1 and 37 more transcripts); short protein forms G14fs.
Identifiers: ClinVar variation 631911 (VCV000631911.71), dbSNP rs1249246307, ClinGen allele CA351602806.
Genomic context (GRCh38, chr3:15,635,478, plus strand): 5'-TTCCAGATTTGTGGTCTGCATTATGTCTGGAGCCAGAAGTAAGCTTGCTCTTTTCCTCTG[CGGCT>C]GTTACGTGGTTGCCCTGGGAGCCCACACCGGGGAGGAGAGCGTGGCTGACCATCACGAGG-3'